The following is an entry in ClinVar:

ClinVar aggregate classification (germline): Conflicting classifications of pathogenicity. Review status: criteria provided, conflicting classifications (1 of 4 stars). 4 submissions from 2 submitters: Uncertain significance (1); Benign (3). Last evaluated 2022-04-01.

Conditions:
Andersen Tawil syndrome (LQT7). Also called: PERIODIC PARALYSIS, POTASSIUM-SENSITIVE CARDIODYSRHYTHMIC TYPE; ANDERSEN CARDIODYSRHYTHMIC PERIODIC PARALYSIS; LONG QT SYNDROME 7; Potassium-sensitive periodic paralysis, ventricular ectopy, and dysmorphic features; Andersen Syndrome. Identifiers: Orphanet 37553, MedGen C1563715, MONDO:0008222, OMIM 170390.
Atrial fibrillation, familial, 9 (ATFB9). Identifiers: MedGen C3151431, MONDO:0013513, OMIM 613980.
Short QT syndrome type 3. Identifiers: Orphanet 51083, MedGen C1865018, MONDO:0012314, OMIM 609622.

Allele frequency attached by ClinVar (database versions not stated): 1000 Genomes Project 30x 0.00187; 1000 Genomes Project 0.00200; gnomAD 0.00215 and 0.00233; TOPMed 0.00268.

Submissions (4):

CeGaT Center for Human Genetics Tuebingen
Classification: Benign. Last evaluated: 2022-04-01. Review status: criteria provided, single submitter. Criteria: CeGaT Center For Human Genetics Tuebingen Variant Classification Criteria Version 2. Collection method: clinical testing. Allele origin: germline. Affected: yes. Observed: 1 variant allele.
Comment: KCNJ2: BS1, BS2

Illumina Laboratory Services, Illumina
Classification: Benign for Andersen Tawil syndrome. Last evaluated: 2018-01-12. Review status: criteria provided, single submitter. Criteria: ICSL Variant Classification Criteria 13 December 2019. Collection method: clinical testing. Allele origin: germline.
Comment: This variant was observed in the ICSL laboratory as part of a predisposition screen in an ostensibly healthy population. It had not been previously curated by ICSL or reported in the Human Gene Mutation Database (HGMD: prior to June 1st, 2018), and was therefore a candidate for classification through an automated scoring system. Utilizing variant allele frequency, disease prevalence and penetrance estimates, and inheritance mode, an automated score was calculated to assess if this variant is too frequent to cause the disease. Based on the score and internal cut-off values, a variant classified as benign is not then subjected to further curation. The score for this variant resulted in a classification of benign for this disease.

Illumina Laboratory Services, Illumina
Classification: Benign for Short QT syndrome type 3. Last evaluated: 2018-01-12. Review status: criteria provided, single submitter. Criteria: ICSL Variant Classification Criteria 13 December 2019. Collection method: clinical testing. Allele origin: germline.
Comment: the same text as in the submission from Illumina Laboratory Services, Illumina above.

Illumina Laboratory Services, Illumina
Classification: Uncertain significance for Atrial fibrillation, familial, 9. Last evaluated: 2018-01-12. Review status: criteria provided, single submitter. Criteria: ICSL Variant Classification Criteria 13 December 2019. Collection method: clinical testing. Allele origin: germline.

NM_000891.3(KCNJ2):c.*3208A>G

Gene: KCNJ2 (potassium inwardly rectifying channel subfamily J member 2; plus strand). Cytogenetic location: 17q24.3.
Variant type: single nucleotide variant.
Coding change: c.*3208A>G on transcript NM_000891.3 (MANE Select); 3208 bases downstream of the stop codon, A replaced by G.
Molecular consequence: 3 prime UTR variant.
Genome position (GRCh38, 1-based): chr17:70,179,531, A>G. VCF-style: chr17-70179531-A-G. GRCh37 (hg19) VCF-style: chr17-68175672-A-G.
Identifiers: ClinVar variation 324891 (VCV000324891.29), dbSNP rs188533495, ClinGen allele CA10650823.